The following is an entry in ClinVar:

NM_002662.5(PLD1):c.1436G>T (p.Gly479Val)

Gene: PLD1 (phospholipase D1; minus strand). Cytogenetic location: 3q26.31.
Variant type: single nucleotide variant.
Coding change: c.1436G>T on transcript NM_002662.5 (MANE Select); coding-DNA position 1436, G replaced by T.
Protein change: p.Gly479Val; replaces glycine 479 with valine.
Molecular consequence: missense variant.
Genome position (GRCh38, 1-based): chr3:171,688,779, C>A on the plus strand (G>T on the coding strand, the complement: PLD1 is on the minus strand). VCF-style: chr3-171688779-C-A. GRCh37 (hg19) VCF-style: chr3-171406569-C-A.
Other names: c.1436G>T, p.Gly479Val (NM_001130081.3); short protein forms G479V.
Identifiers: ClinVar variation 3342192 (VCV003342192.16).
Genomic context (GRCh38, chr3:171,688,779, plus strand): 5'-CTGCCCACGTCTGTGAGTCTGTGCTCATTGTCGTCCCACCTTCCATAGGCCAGGTCAATC[C>A]CTCCCACAAAGGCCACCGATTGGTCAATGATGACAAGCTTCTCATGGTGAGCCCACAAAT-3'
Protein context (NP_002653.1, residues 469-489): IIDQSVAFVG[Gly479Val]IDLAYGRWDD

ClinVar aggregate classification (germline): Uncertain significance (1 of 4 stars; one submission).

Submission:

CeGaT Center for Human Genetics Tuebingen
Classification: Uncertain significance. Last evaluated: 2024-08-01. Review status: criteria provided, single submitter. Criteria: CeGaT Center For Human Genetics Tuebingen Variant Classification Criteria Version 2. Collection method: clinical testing. Allele origin: germline. Affected: yes. Observed: 1 variant allele.
Comment: PLD1: PM2, PP3, PS3:Supporting